The following is an entry in ClinVar:

ClinVar aggregate classification (germline): Conflicting classifications of pathogenicity. Review status: criteria provided, conflicting classifications (1 of 4 stars). 4 submissions from 4 submitters: Uncertain significance (3); Likely benign (1). Last evaluated 2025-06-23.

Conditions:
Hereditary cancer-predisposing syndrome. Also called: Hereditary neoplastic syndrome; Tumor predisposition; Neoplastic Syndromes, Hereditary; Hereditary Cancer Syndrome. Identifiers: Orphanet 140162, MedGen C0027672, MeSH D009386, MONDO:0015356.
Lynch syndrome. Identifiers: Orphanet 144, MedGen C4552100, MONDO:0005835. Disease mechanism: loss of function.
Hereditary nonpolyposis colorectal neoplasms. Identifiers: MedGen C0009405, MeSH D003123.

Allele frequency attached by ClinVar (database versions not stated): gnomAD exomes below 0.00001 and 0.00001; TOPMed below 0.00001; ExAC 0.00001.
gnomAD v4.1: 1 of 1,614,186 alleles (0.000062%); highest among the groups gnomAD compares: Non-Finnish European, 0.000085%; no homozygotes.

Submissions (4):

Ambry Genetics
Classification: Uncertain significance for Hereditary cancer-predisposing syndrome. Last evaluated: 2025-06-23. Review status: criteria provided, single submitter. Criteria: Ambry Variant Classification Scheme 2023. Collection method: clinical testing. Allele origin: germline.
Comment: The p.T605A variant (also known as c.1813A>G), located in coding exon 4 of the MSH6 gene, results from an A to G substitution at nucleotide position 1813. The threonine at codon 605 is replaced by alanine, an amino acid with similar properties. This amino acid position is highly conserved in available vertebrate species. In addition, this alteration is predicted to be deleterious by in silico analysis. Based on the available evidence, the clinical significance of this variant remains unclear.

Labcorp Genetics (formerly Invitae), Labcorp
Classification: Likely benign for Hereditary nonpolyposis colorectal neoplasms. Last evaluated: 2025-05-21. Review status: criteria provided, single submitter. Criteria: Invitae Variant Classification Sherloc (09022015). Collection method: clinical testing. Allele origin: germline.

Center for Genomic Medicine, Rigshospitalet, Copenhagen University Hospital
Classification: Uncertain significance. Last evaluated: 2025-03-04. Review status: criteria provided, single submitter. Criteria: ACMG Guidelines, 2015. Collection method: clinical testing. Allele origin: germline.

All of Us Research Program, National Institutes of Health
Classification: Uncertain significance for Lynch syndrome. Last evaluated: 2024-05-14. Review status: criteria provided, single submitter. Criteria: ACMG Guidelines, 2015. Collection method: clinical testing. Allele origin: germline. Inheritance: Autosomal dominant inheritance. Observed: 1 variant allele, 1 heterozygote.
Comment: This missense variant replaces threonine with alanine at codon 605 of the MSH6 protein. Computational prediction is inconclusive regarding the impact of this variant on protein structure and function (internally defined REVEL score threshold 0.5 < inconclusive < 0.7, PMID: 27666373). To our knowledge, functional studies have not been reported for this variant. This variant has not been reported in individuals affected with MSH6-related disorders in the literature. This variant has been identified in 2/250498 chromosomes in the general population by the Genome Aggregation Database (gnomAD). The available evidence is insufficient to determine the role of this variant in disease conclusively. Therefore, this variant is classified as a Variant of Uncertain Significance.

This study involves interpretation of variants in research participants for the purpose of population health screening. Participant phenotype was not available at the time of variant classification. Additional details can be found in publication PMID: 35346344, PMCID: PMC8962531

NM_000179.3(MSH6):c.1813A>G (p.Thr605Ala)

Gene: MSH6 (mutS homolog 6; plus strand). Cytogenetic location: 2p16.3.
Variant type: single nucleotide variant.
Coding change: c.1813A>G on transcript NM_000179.3 (MANE Select); coding-DNA position 1813, A replaced by G.
Protein change: p.Thr605Ala; replaces threonine 605 with alanine.
Molecular consequence: missense variant.
Genome position (GRCh38, 1-based): chr2:47,799,796, A>G. VCF-style: chr2-47799796-A-G. GRCh37 (hg19) VCF-style: chr2-48026935-A-G.
Other names: c.1813A>G (NM_000179.2); c.1423A>G, p.Thr475Ala (NM_001281492.2); c.907A>G, p.Thr303Ala (NM_001281493.2, NM_001281494.2); short protein forms T303A, T475A, T605A.
Identifiers: ClinVar variation 1697908 (VCV001697908.15), dbSNP rs780167298, ClinGen allele CA068168.